The following is an entry in ClinVar:

NM_005629.4(SLC6A8):c.1437C>T (p.Ser479=)

Gene: SLC6A8 (solute carrier family 6 member 8; plus strand). Cytogenetic location: Xq28.
Variant type: single nucleotide variant.
Coding change: c.1437C>T on transcript NM_005629.4 (MANE Select); coding-DNA position 1437, C replaced by T.
Protein change: p.Ser479=; no amino-acid change (serine 479 retained).
Molecular consequence: synonymous variant.
Genome position (GRCh38, 1-based): chrX:153,694,388, C>T. VCF-style: chrX-153694388-C-T. GRCh37 (hg19) VCF-style: chrX-152959843-C-T.
Other names: c.1407C>T, p.Ser469= (NM_001142805.2); c.1092C>T, p.Ser364= (NM_001142806.1).
Identifiers: ClinVar variation 212209 (VCV000212209.23), dbSNP rs140115896, ClinGen allele CA206865.

ClinVar aggregate classification (germline): Benign/Likely benign. Review status: criteria provided, multiple submitters, no conflicts (2 of 4 stars). 6 submissions from 6 submitters: Benign (4); Likely benign (2). Last evaluated 2026-01-28.

Conditions:
Inborn genetic diseases. Identifiers: MedGen C0950123, MeSH D030342.
Creatine transporter deficiency (CCDS1). Also called: SLC6A8-Related Creatine Transporter Deficiency; CREATINE TRANSPORTER DEFECT; Mental retardation , X-linked with seizures, short stature and midface hypoplasia; Mental retardation , X-linked, with creatine transport deficiency; X-linked creatine transporter deficiency; X-linked creatine deficiency syndrome. Identifiers: Orphanet 52503, MedGen C1845862, MONDO:0010305, OMIM 300352.

Allele frequency attached by ClinVar (database versions not stated): gnomAD exomes 0.00064 and 0.00134; ExAC 0.00147; gnomAD 0.00325 and 0.00334; 1000 Genomes Project 30x 0.00333; ESP Exome Variant Server 0.00341; 1000 Genomes Project 0.00371; TOPMed 0.00378.
gnomAD v4.1: 1,081 of 1,208,861 alleles (0.089%); highest among the groups gnomAD compares: African/African-American, 1.2%; 2 homozygotes.

Submissions (6):

Labcorp Genetics (formerly Invitae), Labcorp
Classification: Benign for Creatine transporter deficiency. Last evaluated: 2026-01-28. Review status: criteria provided, single submitter. Criteria: Invitae Variant Classification Sherloc (09022015). Collection method: clinical testing. Allele origin: germline.

Blueprint Genetics
Classification: Likely benign. Last evaluated: 2024-08-09. Review status: criteria provided, single submitter. Criteria: ACMG Guidelines, 2015. Collection method: clinical testing. Allele origin: germline.

Athena Diagnostics
Classification: Benign. Last evaluated: 2019-04-25. Review status: criteria provided, single submitter. Criteria: Athena Diagnostics Criteria. Collection method: clinical testing. Allele origin: germline.

Ambry Genetics
Classification: Benign for Inborn genetic diseases. Last evaluated: 2016-08-29. Review status: criteria provided, single submitter. Criteria: Ambry Variant Classification Scheme 2023. Collection method: clinical testing. Allele origin: germline.

GeneDx
Classification: Benign. Last evaluated: 2016-03-16. Review status: criteria provided, single submitter. Criteria: GeneDx Variant Classification (06012015). Collection method: clinical testing. Allele origin: germline. Affected: yes.
Comment: This variant is considered likely benign or benign based on one or more of the following criteria: it is a conservative change, it occurs at a poorly conserved position in the protein, it is predicted to be benign by multiple in silico algorithms, and/or has population frequency not consistent with disease.

Genetic Services Laboratory, University of Chicago
Classification: Likely benign. Last evaluated: 2015-08-05. Review status: criteria provided, single submitter. Criteria: ACMG Guidelines, 2015. Collection method: clinical testing. Allele origin: germline.

Literature cited by the submitters: PubMed 16738945 (cited by Athena Diagnostics); PubMed 20717164 (cited by Athena Diagnostics).